The following is an entry in ClinVar:

NM_001283009.2(RTEL1):c.1438G>T (p.Gly480Cys)

Genes: RTEL1 (regulator of telomere elongation helicase 1; plus strand), RTEL1-TNFRSF6B (RTEL1-TNFRSF6B readthrough (NMD candidate); plus strand). Cytogenetic location: 20q13.33.
Variant type: single nucleotide variant.
Coding change: c.1438G>T on transcript NM_001283009.2 (MANE Select); coding-DNA position 1438, G replaced by T.
Protein change: p.Gly480Cys; replaces glycine 480 with cysteine.
Molecular consequence: missense variant. On other transcripts: non-coding transcript variant (1).
Genome position (GRCh38, 1-based): chr20:63,687,727, G>T. VCF-style: chr20-63687727-G-T. GRCh37 (hg19) VCF-style: chr20-62319080-G-T.
Other names: c.769G>T, p.Gly257Cys (NM_001283010.1); c.1438G>T, p.Gly480Cys (NM_016434.4); c.1510G>T, p.Gly504Cys (NM_032957.5); short protein forms G504C, G257C, G480C.
Identifiers: ClinVar variation 3791146 (VCV003791146.1).

ClinVar aggregate classification (germline): Uncertain significance (1 of 4 stars; one submission).

Conditions:
Inborn genetic diseases. Identifiers: MedGen C0950123, MeSH D030342.

Submission:

Ambry Genetics
Classification: Uncertain significance for Inborn genetic diseases. Last evaluated: 2025-02-12. Review status: criteria provided, single submitter. Criteria: Ambry Variant Classification Scheme 2023. Collection method: clinical testing. Allele origin: germline.
Comment: The p.G480C variant (also known as c.1438G>T), located in coding exon 16 of the RTEL1 gene, results from a G to T substitution at nucleotide position 1438. The glycine at codon 480 is replaced by cysteine, an amino acid with highly dissimilar properties. This amino acid position is conserved. In addition, this alteration is predicted to be deleterious by in silico analysis. Based on the available evidence, the clinical significance of this variant remains unclear.